The following is an entry in ClinVar:

ClinVar aggregate classification (germline): Uncertain significance (1 of 4 stars; one submission).

Conditions:
Van der Woude syndrome 2 (VWS2). Identifiers: Orphanet 888, MedGen C1847604, MONDO:0011712, OMIM 606713.

Submission:

Labcorp Genetics (formerly Invitae), Labcorp
Classification: Uncertain significance for Van der Woude syndrome 2. Last evaluated: 2025-09-21. Review status: criteria provided, single submitter. Criteria: Invitae Variant Classification Sherloc (09022015). Collection method: clinical testing. Allele origin: germline.
Comment: This sequence change replaces leucine, which is neutral and non-polar, with arginine, which is basic and polar, at codon 103 of the GRHL3 protein (p.Leu103Arg). This variant is not present in population databases (gnomAD no frequency). This variant has not been reported in the literature in individuals affected with GRHL3-related conditions. An algorithm developed to predict the effect of missense changes on protein structure and function (PolyPhen-2) suggests that this variant is likely to be disruptive. In summary, the available evidence is currently insufficient to determine the role of this variant in disease. Therefore, it has been classified as a Variant of Uncertain Significance.

NM_198173.3(GRHL3):c.308T>G (p.Leu103Arg)

Gene: GRHL3 (grainyhead like transcription factor 3; plus strand). Cytogenetic location: 1p36.11.
Variant type: single nucleotide variant.
Coding change: c.308T>G on transcript NM_198173.3 (MANE Select); coding-DNA position 308, T replaced by G.
Protein change: p.Leu103Arg; replaces leucine 103 with arginine.
Molecular consequence: missense variant.
Genome position (GRCh38, 1-based): chr1:24,336,523, T>G. VCF-style: chr1-24336523-T-G. GRCh37 (hg19) VCF-style: chr1-24663013-T-G.
Other names: c.170T>G, p.Leu57Arg (NM_001195010.2); c.323T>G, p.Leu108Arg (NM_021180.4); c.308T>G, p.Leu103Arg (NM_198174.3); short protein forms L103R, L57R, L108R.
Identifiers: ClinVar variation 4725540 (VCV004725540.1).